The following is an entry in ClinVar:

NM_001376013.1(EPB41):c.1636+1G>T

Gene: EPB41 (erythrocyte membrane protein band 4.1; plus strand). Cytogenetic location: 1p35.3.
Variant type: single nucleotide variant.
Coding change: c.1636+1G>T on transcript NM_001376013.1 (MANE Select); the canonical splice donor site of the intron after coding-DNA position 1636, G replaced by T.
Molecular consequence: splice donor variant.
Genome position (GRCh38, 1-based): chr1:29,039,427, G>T. VCF-style: chr1-29039427-G-T. GRCh37 (hg19) VCF-style: chr1-29365939-G-T.
Other names: c.1009+1G>T (NM_001166007.2, NM_001376024.1, NM_001376023.1 and 7 more transcripts); c.1636+1G>T (NM_001376014.1, NM_001376015.1, NM_001376017.1 and 7 more transcripts); c.1531+1G>T (NM_203343.3).
Identifiers: ClinVar variation 2855191 (VCV002855191.3), dbSNP rs2548242861, ClinGen allele CA339523957.

ClinVar aggregate classification (germline): Likely pathogenic (1 of 4 stars; one submission).

Submission:

Labcorp Genetics (formerly Invitae), Labcorp
Classification: Likely pathogenic. Last evaluated: 2023-04-11. Review status: criteria provided, single submitter. Criteria: Invitae Variant Classification Sherloc (09022015). Collection method: clinical testing. Allele origin: germline.
Comment: In summary, the currently available evidence indicates that the variant is pathogenic, but additional data are needed to prove that conclusively. Therefore, this variant has been classified as Likely Pathogenic. Algorithms developed to predict the effect of sequence changes on RNA splicing suggest that this variant may disrupt the consensus splice site. This variant has not been reported in the literature in individuals affected with EPB41-related conditions. This variant is not present in population databases (gnomAD no frequency). This sequence change affects a donor splice site in intron 12 of the EPB41 gene. It is expected to disrupt RNA splicing. Variants that disrupt the donor or acceptor splice site typically lead to a loss of protein function (PMID: 16199547), and loss-of-function variants in EPB41 are known to be pathogenic (PMID: 21839655, 27551681, 27667160, 33942936).

Literature cited by the submitters: PubMed 16199547; PubMed 21839655; PubMed 27551681; PubMed 27667160; PubMed 33942936.